The following is an entry in ClinVar:

ClinVar aggregate classification (germline): Pathogenic (1 of 4 stars; one submission).

Conditions:
Autosomal recessive hypohidrotic ectodermal dysplasia syndrome. Also called: Autosomal recessive hypohidrotic ectodermal dysplasia. Identifiers: Orphanet 248, MedGen C0406702, MONDO:0016619.
Ectodermal dysplasia 10A, hypohidrotic/hair/nail type, autosomal dominant (ECTD10A). Also called: Ectodermal Dysplasia 3, Anhidrotic. Identifiers: Orphanet 1810, Orphanet 238468, MedGen C3888065, MONDO:0007509, OMIM 129490.

Submission:

Labcorp Genetics (formerly Invitae), Labcorp
Classification: Pathogenic for Ectodermal dysplasia 10A, hypohidrotic/hair/nail type, autosomal dominant; Autosomal recessive hypohidrotic ectodermal dysplasia syndrome. Last evaluated: 2018-05-23. Review status: criteria provided, single submitter. Criteria: Invitae Variant Classification Sherloc (09022015). Collection method: clinical testing. Allele origin: germline.
Comment: This sequence change results in a premature translational stop signal in the EDAR gene (p.Tyr364Thrfs*8). While this is not anticipated to result in nonsense mediated decay, it is expected to disrupt the last 85 amino acids of the EDAR protein. This variant is not present in population databases (ExAC no frequency). This variant has not been reported in the literature in individuals with EDAR-related disease. A different truncation (p.Phe398*) that lies downstream of this variant has been reported in families with ectodermal dysplasia and determined to be pathogenic (PMID: 23401279, 24641098). This suggests that deletion of this region of the EDAR protein is causative of disease. For these reasons, this variant has been classified as Pathogenic.

Literature cited by the submitters: PubMed 23401279; PubMed 24641098.

NM_022336.4(EDAR):c.1089del (p.Tyr364fs)

Genes: EDAR (ectodysplasin A receptor; minus strand), RANBP2 (RAN binding protein 2; plus strand). Cytogenetic location: 2q13.
Variant type: Deletion.
Coding change: c.1089del on transcript NM_022336.4 (MANE Select); coding-DNA position 1089, one base deleted (G; older notation c.1089delG).
Protein change: p.Tyr364fs; shifts the reading frame from tyrosine 364.
Molecular consequence: frameshift variant.
Genome position (GRCh38, 1-based): chr2:108,897,165, C deleted on the plus strand (G on the coding strand, the reverse complement: EDAR is on the minus strand). VCF-style (leftmost placement, unchanged base first): chr2-108897164-AC-A. GRCh37 (hg19) VCF-style: chr2-109513620-AC-A.
Other names: short protein forms Y364fs.
Identifiers: ClinVar variation 566967 (VCV000566967.10), dbSNP rs1558793736, ClinGen allele CA891842936.